The following is an entry in ClinVar:

NM_004655.4(AXIN2):c.2031C>A (p.His677Gln)

Gene: AXIN2 (axin 2; minus strand). Cytogenetic location: 17q24.1.
Variant type: single nucleotide variant.
Coding change: c.2031C>A on transcript NM_004655.4 (MANE Select); coding-DNA position 2031, C replaced by A.
Protein change: p.His677Gln; replaces histidine 677 with glutamine.
Molecular consequence: missense variant.
Genome position (GRCh38, 1-based): chr17:65,536,430, G>T on the plus strand (C>A on the coding strand, the complement: AXIN2 is on the minus strand). VCF-style: chr17-65536430-G-T. GRCh37 (hg19) VCF-style: chr17-63532548-G-T.
Other names: c.2031C>A (LRG_296t1); c.1836C>A, p.His612Gln (NM_001363813.1); short protein forms H677Q, H612Q.
Identifiers: ClinVar variation 533197 (VCV000533197.9), dbSNP rs1555577104, ClinGen allele CA400676127.
Genomic context (GRCh38, chr17:65,536,430, plus strand): 5'-CAGCTGAGCCAGCGTGTTGGGTGGGGTCAGGGGAGGCATCGCAGGGTCCTGGGTGAACAG[G>T]TGGGCACGGGGGGTGGTGCGGGGGTGCCCGCTGTTGCCCCCCCACAGATGGTGCCGGCTG-3'
Protein context (NP_004646.3, residues 667-687): SGHPRTTPRA[His677Gln]LFTQDPAMPP

ClinVar aggregate classification (germline): Uncertain significance. Review status: criteria provided, multiple submitters, no conflicts (2 of 4 stars). 2 submissions from 2 submitters: Uncertain significance (2). Last evaluated 2024-07-26.

Conditions:
Hereditary cancer-predisposing syndrome. Also called: Hereditary neoplastic syndrome; Neoplastic Syndromes, Hereditary; Tumor predisposition; Hereditary Cancer Syndrome. Identifiers: Orphanet 140162, MedGen C0027672, MeSH D009386, MONDO:0015356.
Oligodontia-cancer predisposition syndrome. Also called: TOOTH AGENESIS-COLORECTAL CANCER SYNDROME. Identifiers: Orphanet 300576, MedGen C1837750, MONDO:0012075, OMIM 608615. Disease mechanism: loss of function.

Submissions (2):

Ambry Genetics
Classification: Uncertain significance for Hereditary cancer-predisposing syndrome. Last evaluated: 2024-07-26. Review status: criteria provided, single submitter. Criteria: Ambry Variant Classification Scheme 2023. Collection method: clinical testing. Allele origin: germline.
Comment: The p.H677Q variant (also known as c.2031C>A), located in coding exon 7 of the AXIN2 gene, results from a C to A substitution at nucleotide position 2031. The histidine at codon 677 is replaced by glutamine, an amino acid with highly similar properties. This amino acid position is conserved. In addition, the in silico prediction for this alteration is inconclusive. Based on the available evidence, the clinical significance of this variant remains unclear.

Labcorp Genetics (formerly Invitae), Labcorp
Classification: Uncertain significance for Oligodontia-cancer predisposition syndrome. Last evaluated: 2023-07-03. Review status: criteria provided, single submitter. Criteria: Invitae Variant Classification Sherloc (09022015). Collection method: clinical testing. Allele origin: germline.
Comment: This variant has not been reported in the literature in individuals affected with AXIN2-related conditions. This variant is not present in population databases (gnomAD no frequency). This sequence change replaces histidine, which is basic and polar, with glutamine, which is neutral and polar, at codon 677 of the AXIN2 protein (p.His677Gln). ClinVar contains an entry for this variant (Variation ID: 533197). In summary, the available evidence is currently insufficient to determine the role of this variant in disease. Therefore, it has been classified as a Variant of Uncertain Significance. Advanced modeling of protein sequence and biophysical properties (such as structural, functional, and spatial information, amino acid conservation, physicochemical variation, residue mobility, and thermodynamic stability) performed at Invitae indicates that this missense variant is not expected to disrupt AXIN2 protein function.